The following is an entry in ClinVar:

ClinVar aggregate classification (germline): Uncertain significance (1 of 4 stars; one submission).

Allele frequency attached by ClinVar (database versions not stated): TOPMed below 0.00001; gnomAD 0.00001; gnomAD exomes 0.00001.
gnomAD v4.1: 15 of 1,613,992 alleles (0.00093%); highest among the groups gnomAD compares: Non-Finnish European, 0.0013%; no homozygotes.

Submission:

Labcorp Genetics (formerly Invitae), Labcorp
Classification: Uncertain significance. Last evaluated: 2024-10-08. Review status: criteria provided, single submitter. Criteria: Invitae Variant Classification Sherloc (09022015). Collection method: clinical testing. Allele origin: germline.
Comment: This sequence change replaces alanine, which is neutral and non-polar, with valine, which is neutral and non-polar, at codon 1142 of the NOTCH3 protein (p.Ala1142Val). This variant is not present in population databases (gnomAD no frequency). This variant has not been reported in the literature in individuals affected with NOTCH3-related conditions. Invitae Evidence Modeling of protein sequence and biophysical properties (such as structural, functional, and spatial information, amino acid conservation, physicochemical variation, residue mobility, and thermodynamic stability) indicates that this missense variant is not expected to disrupt NOTCH3 protein function with a negative predictive value of 95%. In summary, the available evidence is currently insufficient to determine the role of this variant in disease. Therefore, it has been classified as a Variant of Uncertain Significance.

NM_000435.3(NOTCH3):c.3425C>T (p.Ala1142Val)

Gene: NOTCH3 (notch receptor 3; minus strand). Cytogenetic location: 19p13.12.
Variant type: single nucleotide variant.
Coding change: c.3425C>T on transcript NM_000435.3 (MANE Select); coding-DNA position 3425, C replaced by T.
Protein change: p.Ala1142Val; replaces alanine 1142 with valine.
Molecular consequence: missense variant.
Genome position (GRCh38, 1-based): chr19:15,179,399, G>A on the plus strand (C>T on the coding strand, the complement: NOTCH3 is on the minus strand). VCF-style: chr19-15179399-G-A. GRCh37 (hg19) VCF-style: chr19-15290210-G-A.
Other names: short protein forms A1142V.
Identifiers: ClinVar variation 2794663 (VCV002794663.3), dbSNP rs1422926849, ClinGen allele CA404511901.